The following is an entry in ClinVar:

ClinVar aggregate classification (germline): Pathogenic (1 of 4 stars; one submission).

Conditions:
Hereditary nonpolyposis colorectal neoplasms. Identifiers: MedGen C0009405, MeSH D003123.

Submission:

Labcorp Genetics (formerly Invitae), Labcorp
Classification: Pathogenic for Hereditary nonpolyposis colorectal neoplasms. Last evaluated: 2019-02-13. Review status: criteria provided, single submitter. Criteria: Invitae Variant Classification Sherloc (09022015). Collection method: clinical testing. Allele origin: germline.
Comment: For these reasons, this variant has been classified as Pathogenic. Loss-of-function variants in MSH6 are known to be pathogenic (PMID: 18269114, 24362816). This variant has not been reported in the literature in individuals with MSH6-related conditions. This variant is not present in population databases (ExAC no frequency). This sequence change creates a premature translational stop signal (p.Ile1115Phefs*2) in the MSH6 gene. It is expected to result in an absent or disrupted protein product.

Literature cited by the submitters: PubMed 18269114; PubMed 24362816.

NM_000179.3(MSH6):c.3338_3342dup (p.Ile1115delinsPheTer)

Gene: MSH6 (mutS homolog 6; plus strand). Cytogenetic location: 2p16.3.
Variant type: Duplication.
Coding change: c.3338_3342dup on transcript NM_000179.3 (MANE Select); coding-DNA positions 3338 to 3342, 5 bases duplicated (TTCTA; older notation c.3338_3342dupTTCTA).
Protein change: p.Ile1115delinsPheTer.
Molecular consequence: nonsense.
Genome position (GRCh38, 1-based): chr2:47,803,585-47,803,589, TTCTA duplicated; duplicating any 5 consecutive bases within chr2:47,803,584-47,803,589 gives the same sequence; the c. name uses the placement nearest the transcript's 3' end. VCF-style (leftmost placement, unchanged base first): chr2-47803583-C-CATTCT. GRCh37 (hg19) VCF-style: chr2-48030722-C-CATTCT.
Other names: c.2948_2952dup, p.Ile985delinsPheTer (NM_001281492.2); c.2432_2436dup, p.Ile813delinsPheTer (NM_001281493.2, NM_001281494.2).
Identifiers: ClinVar variation 857988 (VCV000857988.8), dbSNP rs1669760609, ClinGen allele CA916080270.